The following is an entry in ClinVar:

NM_000093.5(COL5A1):c.3310C>T (p.Pro1104Ser)

Gene: COL5A1 (collagen type V alpha 1 chain; plus strand). Cytogenetic location: 9q34.3.
Variant type: single nucleotide variant.
Coding change: c.3310C>T on transcript NM_000093.5 (MANE Select); coding-DNA position 3310, C replaced by T.
Protein change: p.Pro1104Ser; replaces proline 1104 with serine.
Molecular consequence: missense variant.
Genome position (GRCh38, 1-based): chr9:134,806,240, C>T. VCF-style: chr9-134806240-C-T. GRCh37 (hg19) VCF-style: chr9-137698086-C-T.
Other names: c.3310C>T, p.Pro1104Ser (NM_001278074.1); c.3310C>T (NM_000093.3); short protein forms P1104S.
Identifiers: ClinVar variation 1010310 (VCV001010310.11), dbSNP rs1838292124, ClinGen allele CA375451715.

ClinVar aggregate classification (germline): Uncertain significance. Review status: criteria provided, multiple submitters, no conflicts (2 of 4 stars). 2 submissions from 2 submitters: Uncertain significance (2). Last evaluated 2025-07-09.

Conditions:
Familial thoracic aortic aneurysm and aortic dissection (TAAD). Also called: Thoracic aortic aneurysms and dissections. Identifiers: Orphanet 91387, MedGen C4707243, MONDO:0019625.
Ehlers-Danlos syndrome, classic type, 1 (EDSCL1). Also called: EHLERS-DANLOS SYNDROME, GRAVIS TYPE; EHLERS-DANLOS SYNDROME, SEVERE CLASSIC TYPE; EDS I; Ehlers-Danlos Syndrome, Classic Type, COL5A1-Related; Ehlers-Danlos syndrome, type 1. Identifiers: MedGen C0268335, MONDO:0019567, OMIM 130000.

Allele frequency attached by ClinVar (database versions not stated): gnomAD exomes below 0.00001.
gnomAD v4.1: 1 of 1,550,382 alleles (0.000065%); highest among the groups gnomAD compares: Middle Eastern, 0.018%; no homozygotes.

Submissions (2):

Ambry Genetics
Classification: Uncertain significance for Familial thoracic aortic aneurysm and aortic dissection. Last evaluated: 2025-07-09. Review status: criteria provided, single submitter. Criteria: Ambry Variant Classification Scheme 2023. Collection method: clinical testing. Allele origin: germline.
Comment: The p.P1104S variant (also known as c.3310C>T), located in coding exon 42 of the COL5A1 gene, results from a C to T substitution at nucleotide position 3310. The proline at codon 1104 is replaced by serine, an amino acid with similar properties. This amino acid position is highly conserved in available vertebrate species. In addition, this alteration is predicted to be deleterious by in silico analysis. Based on the available evidence, the clinical significance of this variant remains unclear.

Labcorp Genetics (formerly Invitae), Labcorp
Classification: Uncertain significance for Ehlers-Danlos syndrome, classic type, 1. Last evaluated: 2023-05-22. Review status: criteria provided, single submitter. Criteria: Invitae Variant Classification Sherloc (09022015). Collection method: clinical testing. Allele origin: germline.
Comment: ClinVar contains an entry for this variant (Variation ID: 1010310). This sequence change replaces proline, which is neutral and non-polar, with serine, which is neutral and polar, at codon 1104 of the COL5A1 protein (p.Pro1104Ser). This variant is not present in population databases (gnomAD no frequency). This variant has not been reported in the literature in individuals affected with COL5A1-related conditions. Advanced modeling of protein sequence and biophysical properties (such as structural, functional, and spatial information, amino acid conservation, physicochemical variation, residue mobility, and thermodynamic stability) performed at Invitae indicates that this missense variant is not expected to disrupt COL5A1 protein function. In summary, the available evidence is currently insufficient to determine the role of this variant in disease. Therefore, it has been classified as a Variant of Uncertain Significance.